The following is an entry in ClinVar:

ClinVar aggregate classification (germline): Pathogenic (1 of 4 stars; one submission).

Conditions:
Familial cancer of breast. Also called: Hereditary breast cancer; BREAST CANCER, FAMILIAL; hereditary breast carcinoma. Identifiers: Orphanet 227535, MedGen C0346153, MONDO:0016419, OMIM 114480. Disease mechanism: loss of function.

Submission:

Myriad Genetics, Inc.
Classification: Pathogenic for Familial cancer of breast. Last evaluated: 2023-09-08. Review status: criteria provided, single submitter. Criteria: Myriad Autosomal Dominant, Autosomal Recessive and X-Linked Classification Criteria (2023). Collection method: clinical testing. Allele origin: unknown.
Comment: This variant is considered pathogenic. This variant creates a termination codon and is predicted to result in premature protein truncation.

NM_024675.4(PALB2):c.1227del (p.Tyr408_Tyr409insTer)

Gene: PALB2 (partner and localizer of BRCA2; minus strand). Cytogenetic location: 16p12.2.
Variant type: Deletion.
Coding change: c.1227del on transcript NM_024675.4 (MANE Select); coding-DNA position 1227, one base deleted (T; older notation c.1227delT).
Protein change: p.Tyr408_Tyr409insTer.
Molecular consequence: nonsense. On other transcripts: intron variant (3).
Genome position (GRCh38, 1-based): chr16:23,635,319, A deleted on the plus strand (T on the coding strand, the reverse complement: PALB2 is on the minus strand). VCF-style (leftmost placement, unchanged base first): chr16-23635318-CA-C. GRCh37 (hg19) VCF-style: chr16-23646639-CA-C.
Other names: c.1227del, p.Tyr408_Tyr409insTer (NM_001407298.1, NM_001407299.1, NM_001407300.1 and 3 more transcripts); c.342del, p.Tyr113_Tyr114insTer (NM_001407304.1, NM_001407305.1, NM_001407306.1 and 5 more transcripts); c.48+5791del (NM_001407314.1); c.-104-4850del (NM_001407313.1, NM_001407312.1); c.1167del, p.Tyr388_Tyr389insTer (NM_001407296.1).
Identifiers: ClinVar variation 2674151 (VCV002674151.1), dbSNP rs2506484574, ClinGen allele CA2695197494.